The following is an entry in ClinVar:

ClinVar aggregate classification (germline): Uncertain significance (1 of 4 stars; one submission).

Submission:

Labcorp Genetics (formerly Invitae), Labcorp
Classification: Uncertain significance. Last evaluated: 2024-11-18. Review status: criteria provided, single submitter. Criteria: Invitae Variant Classification Sherloc (09022015). Collection method: clinical testing. Allele origin: germline.
Comment: This sequence change falls in intron 3 of the WDR4 gene. It does not directly change the encoded amino acid sequence of the WDR4 protein. Information on the frequency of this variant in the gnomAD database is not available, as this variant may be reported differently in the database. This variant has not been reported in the literature in individuals affected with WDR4-related conditions. Experimental studies and prediction algorithms are not available or were not evaluated, and the effect of this variant on mRNA splicing is currently unknown. In summary, the available evidence is currently insufficient to determine the role of this variant in disease. Therefore, it has been classified as a Variant of Uncertain Significance.

NM_018669.6(WDR4):c.297-13_297-12delinsAT

Gene: WDR4 (WDR4 tRNA N7-guanosine methyltransferase non-catalytic subunit; minus strand). Cytogenetic location: 21q22.3.
Variant type: Indel.
Coding change: c.297-13_297-12delinsAT on transcript NM_018669.6 (MANE Select); 13 bases into the intron before coding-DNA position 297 through 12 bases into the intron before coding-DNA position 297, TC replaced by AT.
Molecular consequence: intron variant.
Genome position (GRCh38, 1-based): chr21:42,863,608-42,863,609, GA replaced by AT on the plus strand (TC replaced by AT on the coding strand, the reverse complement: WDR4 is on the minus strand). VCF-style: chr21-42863608-GA-AT. GRCh37 (hg19) VCF-style: chr21-44283718-GA-AT.
Other names: c.297-13_297-12delinsAT (NM_033661.5, NM_001260474.2); c.-142-13_-142-12delinsAT (NM_001260476.2, NM_001260475.2, NM_001260477.2).
Identifiers: ClinVar variation 3671703 (VCV003671703.2).